The following is an entry in ClinVar:

ClinVar aggregate classification (germline): Pathogenic (1 of 4 stars; one submission).

Conditions:
Tuberous sclerosis 2 (TSC2). Identifiers: Orphanet 805, MedGen C1860707, MONDO:0013199, OMIM 613254.

Submission:

Labcorp Genetics (formerly Invitae), Labcorp
Classification: Pathogenic for Tuberous sclerosis 2. Last evaluated: 2020-07-31. Review status: criteria provided, single submitter. Criteria: Invitae Variant Classification Sherloc (09022015). Collection method: clinical testing. Allele origin: germline.
Comment: For these reasons, this variant has been classified as Pathogenic. This variant has not been reported in the literature in individuals with TSC2-related conditions. Loss-of-function variants in TSC2 are known to be pathogenic (PMID: 10205261, 17304050). This sequence change creates a premature translational stop signal (p.Lys1591Argfs*34) in the TSC2 gene. It is expected to result in an absent or disrupted protein product. This variant is not present in population databases (ExAC no frequency).

Literature cited by the submitters: PubMed 10205261; PubMed 17304050.

NM_000548.5(TSC2):c.4772del (p.Lys1591fs)

Gene: TSC2 (TSC complex subunit 2; plus strand). Cytogenetic location: 16p13.3.
Variant type: Deletion.
Coding change: c.4772del on transcript NM_000548.5 (MANE Select); coding-DNA position 4772, one base deleted (A; older notation c.4772delA).
Protein change: p.Lys1591fs; shifts the reading frame from lysine 1591.
Molecular consequence: frameshift variant.
Genome position (GRCh38, 1-based): chr16:2,086,302, A deleted; the last of 2 consecutive A bases (chr16:2,086,301-2,086,302); deleting either gives the same sequence. VCF-style (leftmost placement, unchanged base first): chr16-2086300-CA-C. GRCh37 (hg19) VCF-style: chr16-2136301-CA-C.
Other names: c.4571del, p.Lys1524fs (NM_001077183.3); c.4703del, p.Lys1568fs (NM_001114382.3); c.4463del, p.Lys1488fs (NM_001318827.2); c.4427del, p.Lys1476fs (NM_001318829.2); c.4040del, p.Lys1347fs (NM_001318831.2); c.4604del, p.Lys1535fs (NM_001318832.2); c.4574del, p.Lys1525fs (NM_001363528.2); c.4640del, p.Lys1547fs (NM_001370404.1); and 1 more; short protein forms K1347fs, K1476fs, K1488fs, K1524fs, K1525fs, K1535fs, K1547fs, K1548fs.
Identifiers: ClinVar variation 1075024 (VCV001075024.7), dbSNP rs2151573795, ClinGen allele CA2499223345.